The following is an entry in ClinVar:

NM_001379081.2(FREM1):c.5236T>C (p.Ser1746Pro)

Gene: FREM1 (FRAS1 related extracellular matrix 1; minus strand). Cytogenetic location: 9p22.3.
Variant type: single nucleotide variant.
Coding change: c.5236T>C on transcript NM_001379081.2 (MANE Select); coding-DNA position 5236, T replaced by C.
Protein change: p.Ser1746Pro; replaces serine 1746 with proline.
Molecular consequence: missense variant. On other transcripts: non-coding transcript variant (2).
Genome position (GRCh38, 1-based): chr9:14,759,870, A>G on the plus strand (T>C on the coding strand, the complement: FREM1 is on the minus strand). VCF-style: chr9-14759870-A-G. GRCh37 (hg19) VCF-style: chr9-14759868-A-G.
Other names: c.844T>C, p.Ser282Pro (NM_001177704.3, NM_001370058.2, NM_001370061.2); c.5236T>C, p.Ser1746Pro (NM_144966.7); short protein forms S1746P, S282P.
Identifiers: ClinVar variation 2637413 (VCV002637413.2), dbSNP rs2539491146, ClinGen allele CA372959973.
Genomic context (GRCh38, chr9:14,759,870, plus strand): 5'-TTCTGATAATTTCCAAGGGCAACAAACCCACATTCTCACAGACTTCATATTCGGTCTGTG[A>G]CCATTCAATATGAGACCACTTCAGTTCCAAACTGTGTGTGAAAGGAAAAGAGAAATCATG-3'
Protein context (NP_001366010.1, residues 1736-1756): LELKWSHIEW[Ser1746Pro]QTEYEVCENV

ClinVar aggregate classification (germline): Uncertain significance (0 of 4 stars; one submission).

Conditions:
FREM1-related disorder. Also called: FREM1-related condition; FREM1-Related Disorders.

Submission:

PreventionGenetics, part of Exact Sciences
Classification: Uncertain significance for FREM1-related condition. Last evaluated: 2024-07-01. Review status: no assertion criteria provided. Collection method: clinical testing. Allele origin: germline.
Comment: The FREM1 c.5236T>C variant is predicted to result in the amino acid substitution p.Ser1746Pro. To our knowledge, this variant has not been reported in the literature or in a large population database, indicating this variant is rare. At this time, the clinical significance of this variant is uncertain due to the absence of conclusive functional and genetic evidence.